The following is an entry in ClinVar:

ClinVar aggregate classification (germline): Uncertain significance (1 of 4 stars; one submission).

Submission:

GeneDx
Classification: Uncertain significance. Last evaluated: 2026-03-11. Review status: criteria provided, single submitter. Criteria: GeneDx Variant Classification Process June 2021. Collection method: clinical testing. Allele origin: germline.
Comment: Not observed at significant frequency in large population cohorts (gnomAD); In silico analysis suggests that this missense variant does not alter protein structure/function; Has not been previously published as pathogenic or benign to our knowledge

NM_004380.3(CREBBP):c.1881A>C (p.Glu627Asp)

Gene: CREBBP (CREB binding lysine acetyltransferase; minus strand). Cytogenetic location: 16p13.3.
Variant type: single nucleotide variant.
Coding change: c.1881A>C on transcript NM_004380.3 (MANE Select); coding-DNA position 1881, A replaced by C.
Protein change: p.Glu627Asp; replaces glutamic acid 627 with aspartic acid.
Molecular consequence: missense variant.
Genome position (GRCh38, 1-based): chr16:3,778,760, T>G on the plus strand (A>C on the coding strand, the complement: CREBBP is on the minus strand). VCF-style: chr16-3778760-T-G. GRCh37 (hg19) VCF-style: chr16-3828761-T-G.
Other names: c.1767A>C, p.Glu589Asp (NM_001079846.1); short protein forms E589D, E627D.
Identifiers: ClinVar variation 5008121 (VCV005008121.1).